The following is an entry in ClinVar:

NM_004304.5(ALK):c.4445A>G (p.Gln1482Arg)

Gene: ALK (ALK receptor tyrosine kinase; minus strand). Cytogenetic location: 2p23.2.
Variant type: single nucleotide variant.
Coding change: c.4445A>G on transcript NM_004304.5 (MANE Select); coding-DNA position 4445, A replaced by G.
Protein change: p.Gln1482Arg; replaces glutamine 1482 with arginine.
Molecular consequence: missense variant.
Genome position (GRCh38, 1-based): chr2:29,193,642, T>C on the plus strand (A>G on the coding strand, the complement: ALK is on the minus strand). VCF-style: chr2-29193642-T-C. GRCh37 (hg19) VCF-style: chr2-29416508-T-C.
Other names: c.1241A>G, p.Gln414Arg (NM_001353765.2); short protein forms Q1482R, Q414R.
Identifiers: ClinVar variation 1381117 (VCV001381117.6), dbSNP rs751473124, ClinGen allele CA346462069.
Genomic context (GRCh38, chr2:29,193,642, plus strand): 5'-AAGCTGGTGGGCTTGTTTCTGGATCCGTGGACCTTGTGCAACTCCGAAGGAGGGTTGGAC[T>C]GAGAGAATGCCATATTCACGTGTCCCCCTTCCACGGCCGGCCCTCTAGGGACTCGAACAG-3'
Protein context (NP_004295.2, residues 1472-1492): EGGHVNMAFS[Gln1482Arg]SNPPSELHKV

ClinVar aggregate classification (germline): Uncertain significance (1 of 4 stars; one submission).

Conditions:
Neuroblastoma, susceptibility to, 3. Also called: ALK-Related Neuroblastic Tumor Susceptibility. Identifiers: Orphanet 635, MedGen C2751681, MONDO:0013083, OMIM 613014.

gnomAD v4.1: 1 of 1,614,234 alleles (0.000062%); highest among the groups gnomAD compares: Non-Finnish European, 0.000085%; no homozygotes.

Submission:

Labcorp Genetics (formerly Invitae), Labcorp
Classification: Uncertain significance for Neuroblastoma, susceptibility to, 3. Last evaluated: 2021-09-15. Review status: criteria provided, single submitter. Criteria: Invitae Variant Classification Sherloc (09022015). Collection method: clinical testing. Allele origin: germline.
Comment: In summary, the available evidence is currently insufficient to determine the role of this variant in disease. Therefore, it has been classified as a Variant of Uncertain Significance. Algorithms developed to predict the effect of missense changes on protein structure and function are either unavailable or do not agree on the potential impact of this missense change (SIFT: "Deleterious"; PolyPhen-2: "Possibly Damaging"; Align-GVGD: "Class C0"). This variant has not been reported in the literature in individuals affected with ALK-related conditions. This variant is not present in population databases (ExAC no frequency). This sequence change replaces glutamine with arginine at codon 1482 of the ALK protein (p.Gln1482Arg). The glutamine residue is highly conserved and there is a small physicochemical difference between glutamine and arginine.